The following is an entry in ClinVar:

ClinVar aggregate classification (germline): Conflicting classifications of pathogenicity. Review status: criteria provided, conflicting classifications (1 of 4 stars). 7 submissions from 7 submitters: Pathogenic (1); Likely pathogenic (3); Uncertain significance (1). 2 of the submissions do not count toward it. Last evaluated 2026-07-20.

Conditions:
Sinoatrial node dysfunction and deafness (SANDD). Identifiers: Orphanet 324321, MedGen C3554018, MONDO:0013960, OMIM 614896.
CACNA1D-related disorder.

Allele frequency attached by ClinVar (database versions not stated): gnomAD exomes 0.00001 and 0.00002; ExAC 0.00002; gnomAD 0.00003 and 0.00004; TOPMed 0.00005.
gnomAD v4.1: 26 of 1,610,428 alleles (0.0016%); highest among the groups gnomAD compares: Admixed American, 0.01%; no homozygotes.

Submissions (7):

PreventionGenetics, part of Exact Sciences
Classification: Likely pathogenic for CACNA1D-related condition. Last evaluated: 2026-07-20. Review status: criteria provided, single submitter. Criteria: ACMG Guidelines, 2015. Collection method: clinical testing. Allele origin: germline.
Comment: The CACNA1D c.1127C>T variant is predicted to result in the amino acid substitution p.Ala376Val. This variant was reported in the homozygous state in 10 individuals from five families with hearing loss with and without sinoatrial node dysfunction and was described as a founder variant in the Palestinian population (Liaqat et al. 2019. PubMed ID: 30498240; Table S2B, Abu Rayyan et al. 2020. PubMed ID: 32747562). This variant is reported in 0.0098% of alleles in individuals of South Asian descent in gnomAD. This variant is interpreted as likely pathogenic.

GeneDx
Classification: Likely pathogenic. Last evaluated: 2026-03-03. Review status: criteria provided, single submitter. Criteria: GeneDx Variant Classification Process June 2021. Collection method: clinical testing. Allele origin: germline.
Comment: In silico analysis supports that this missense variant has a deleterious effect on protein structure/function; This variant is associated with the following publications: (PMID: 33868385, 36430690, 36592224, 32601767, 37025382, 32747562, 30498240, 38884729, 32859249, 35775617)

Labcorp Genetics (formerly Invitae), Labcorp
Classification: Uncertain significance. Last evaluated: 2025-02-26. Review status: criteria provided, single submitter. Criteria: Invitae Variant Classification Sherloc (09022015). Collection method: clinical testing. Allele origin: germline.
Comment: This sequence change replaces alanine, which is neutral and non-polar, with valine, which is neutral and non-polar, at codon 376 of the CACNA1D protein (p.Ala376Val). This variant is present in population databases (rs759274321, gnomAD 0.01%). This missense change has been observed in individuals with clinical features of autosomal recessive CACNA1D-related conditions (PMID: 30498240, 32747562; internal data). It has also been observed to segregate with disease in related individuals. ClinVar contains an entry for this variant (Variation ID: 402284). Invitae Evidence Modeling of protein sequence and biophysical properties (such as structural, functional, and spatial information, amino acid conservation, physicochemical variation, residue mobility, and thermodynamic stability) indicates that this missense variant is not expected to disrupt CACNA1D protein function with a negative predictive value of 80%. In summary, the available evidence is currently insufficient to determine the role of this variant in disease. Therefore, it has been classified as a Variant of Uncertain Significance.

Blueprint Genetics
Classification: Pathogenic for CACNA1D-related disorders. Last evaluated: 2024-05-29. Review status: criteria provided, single submitter. Criteria: ACMG Guidelines, 2015. Collection method: clinical testing. Allele origin: germline. Affected: yes. Observed: 2 variant alleles.

King Laboratory, University of Washington
Classification: Likely pathogenic for Sinoatrial node dysfunction and deafness. Last evaluated: 2020-08-01. Review status: criteria provided, single submitter. Criteria: Abu Rayyan A et al. (Proc Natl Acad Sci U S A 2020). Collection method: research. Allele origin: germline. Affected: yes.
Comment: CACNA1D c.1127C>T, p.A376V alters a completely conserved residue in a transmembrane domain of CACNA1D. The variant is homozygous in 6 children from 4 Palestinian families with a syndromic phenotype including moderate pre-lingual hearing loss and cardiac signs (Abu Rayyan 2020). It is absent from 1300 Palestinian controls and present in 4/251488 alleles on gnomAD, all in heterozygotes.

Hereditary Research Laboratory, Bethlehem University
Classification: Pathogenic for Sinoatrial node dysfunction and deafness. Last evaluated: 2016-06-04. Review status: no assertion criteria provided. Collection method: research. Allele origin: germline. Affected: yes. Not counted in ClinVar's aggregate classification.

University of Washington Center for Mendelian Genomics, University of Washington
Classification: Likely pathogenic for Sinoatrial node dysfunction and deafness. Review status: no assertion criteria provided. Collection method: research. Allele origin: inherited. Affected: yes. Not counted in ClinVar's aggregate classification.

Literature cited by the submitters: PubMed 30498240 (cited by Labcorp Genetics (formerly Invitae), Labcorp and University of Washington Center for Mendelian Genomics, University of Washington); PubMed 32747562 (cited by Labcorp Genetics (formerly Invitae), Labcorp).

NM_000720.4(CACNA1D):c.1127C>T (p.Ala376Val)

Gene: CACNA1D (calcium voltage-gated channel subunit alpha1 D; plus strand). Cytogenetic location: 3p21.1.
Variant type: single nucleotide variant.
Coding change: c.1127C>T on transcript NM_000720.4 (MANE Plus Clinical); coding-DNA position 1127, C replaced by T.
Protein change: p.Ala376Val; replaces alanine 376 with valine.
Molecular consequence: missense variant. On other transcripts: intron variant (2).
Genome position (GRCh38, 1-based): chr3:53,673,723, C>T. VCF-style: chr3-53673723-C-T. GRCh37 (hg19) VCF-style: chr3-53707750-C-T.
Other names: NM_000720.2:c.1127C>T, p.(Ala376Val); c.1220+597C>T (NM_001128840.3, NM_001128839.3); c.1127C>T (NM_000720.3); short protein forms A376V.
Identifiers: ClinVar variation 402284 (VCV000402284.13), dbSNP rs759274321, ClinGen allele CA2453852.
Genomic context (GRCh38, chr3:53,673,723, plus strand): 5'-TGCTCTTTAGTAAATGGATAACTGATAACTGATCTCCTTACATTTTACAGGTAAATGATG[C>T]GATAGGATGGGAATGGCCATGGGTGTATTTTGTTAGTCTGATCATCCTTGGCTCATTTTT-3'
Protein context (NP_000711.1, residues 366-386): WTDVLYWVND[Ala376Val]IGWEWPWVYF